The following is an entry in ClinVar:

ClinVar aggregate classification (germline): Benign. Review status: criteria provided, multiple submitters, no conflicts (2 of 4 stars). 2 submissions from 2 submitters: Benign (2). Last evaluated 2018-06-14.

Allele frequency attached by ClinVar (database versions not stated): 1000 Genomes Project 30x 0.01156; 1000 Genomes Project 0.01318; TOPMed 0.01352; gnomAD 0.02099 and 0.02147; gnomAD exomes 0.02385.
gnomAD v4.1: 18,619 of 803,646 alleles (2.3%); highest among the groups gnomAD compares: Non-Finnish European, 2.4%; 394 homozygotes.

Submissions (2):

GeneDx
Classification: Benign. Last evaluated: 2018-06-14. Review status: criteria provided, single submitter. Criteria: GeneDx Variant Classification (06012015). Collection method: clinical testing. Allele origin: germline. Affected: yes.
Comment: This variant is considered likely benign or benign based on one or more of the following criteria: it is a conservative change, it occurs at a poorly conserved position in the protein, it is predicted to be benign by multiple in silico algorithms, and/or has population frequency not consistent with disease.

Breakthrough Genomics
Classification: Benign. Review status: criteria provided, single submitter. Criteria: ACMG Guidelines, 2015. Collection method: not provided. Allele origin: germline. Inheritance: Autosomal dominant inheritance. Affected: yes.

NM_006939.4(SOS2):c.2058-71G>A

Gene: SOS2 (SOS Ras/Rho guanine nucleotide exchange factor 2; minus strand). Cytogenetic location: 14q21.3.
Variant type: single nucleotide variant.
Coding change: c.2058-71G>A on transcript NM_006939.4 (MANE Select); 71 bases into the intron before coding-DNA position 2058, G replaced by A.
Molecular consequence: intron variant.
Genome position (GRCh38, 1-based): chr14:50,153,244, C>T on the plus strand (G>A on the coding strand, the complement: SOS2 is on the minus strand). VCF-style: chr14-50153244-C-T. GRCh37 (hg19) VCF-style: chr14-50619962-C-T.
Identifiers: ClinVar variation 561658 (VCV000561658.2), dbSNP rs117064591, ClinGen allele CA260731777.